The following is an entry in ClinVar:

ClinVar aggregate classification (germline): Uncertain significance (1 of 4 stars; one submission).

Conditions:
Hereditary spastic paraplegia 11. Also called: Spastic Paraplegia 11; Spastic paraplegia, mental retardation and thin corpus callosum; Nakamura Osame syndrome; Autosomal recessive hereditary spastic paraplegia, mental impairment, and thin corpus callosum; SPASTIC PARAPLEGIA, AUTOSOMAL RECESSIVE, COMPLICATED, WITH THIN CORPUS CALLOSUM; SPASTIC PARAPLEGIA, AUTOSOMAL RECESSIVE, WITH MENTAL IMPAIRMENT AND THIN CORPUS CALLOSUM. Identifiers: Orphanet 2822, MedGen C1858479, MONDO:0011445, OMIM 604360.

Allele frequency attached by ClinVar (database versions not stated): gnomAD exomes below 0.00001; TOPMed below 0.00001; ESP Exome Variant Server 0.00008.
gnomAD v4.1: 1 of 1,613,756 alleles (0.000062%); highest among the groups gnomAD compares: Non-Finnish European, 0.000085%; no homozygotes.

Submission:

Labcorp Genetics (formerly Invitae), Labcorp
Classification: Uncertain significance for Hereditary spastic paraplegia 11. Last evaluated: 2022-04-25. Review status: criteria provided, single submitter. Criteria: Invitae Variant Classification Sherloc (09022015). Collection method: clinical testing. Allele origin: germline.
Comment: This sequence change replaces aspartic acid, which is acidic and polar, with glycine, which is neutral and non-polar, at codon 1635 of the SPG11 protein (p.Asp1635Gly). This variant is not present in population databases (gnomAD no frequency). This variant has not been reported in the literature in individuals affected with SPG11-related conditions. Algorithms developed to predict the effect of missense changes on protein structure and function are either unavailable or do not agree on the potential impact of this missense change (SIFT: "Deleterious"; PolyPhen-2: "Benign"; Align-GVGD: "Class C35"). Algorithms developed to predict the effect of sequence changes on RNA splicing suggest that this variant may create or strengthen a splice site. In summary, the available evidence is currently insufficient to determine the role of this variant in disease. Therefore, it has been classified as a Variant of Uncertain Significance.

NM_025137.4(SPG11):c.4904A>G (p.Asp1635Gly)

Gene: SPG11 (SPG11 vesicle trafficking associated, spatacsin; minus strand). Cytogenetic location: 15q21.1.
Variant type: single nucleotide variant.
Coding change: c.4904A>G on transcript NM_025137.4 (MANE Select); coding-DNA position 4904, A replaced by G.
Protein change: p.Asp1635Gly; replaces aspartic acid 1635 with glycine.
Molecular consequence: missense variant.
Genome position (GRCh38, 1-based): chr15:44,589,254, T>C on the plus strand (A>G on the coding strand, the complement: SPG11 is on the minus strand). VCF-style: chr15-44589254-T-C. GRCh37 (hg19) VCF-style: chr15-44881452-T-C.
Other names: c.4904A>G, p.Asp1635Gly (NM_001160227.2, NM_001411132.1); short protein forms D1635G.
Identifiers: ClinVar variation 2130515 (VCV002130515.1), dbSNP rs371081091, ClinGen allele CA270088572.